The following is an entry in ClinVar:

ClinVar aggregate classification (germline): Uncertain significance (1 of 4 stars; one submission).

Conditions:
Neurodegeneration with brain iron accumulation 5 (NBIA5). Also called: Beta-propeller protein-associated neurodegeneration; STATIC ENCEPHALOPATHY OF CHILDHOOD WITH NEURODEGENERATION IN ADULTHOOD. Identifiers: Orphanet 329284, MedGen C3550973, MONDO:0010476, OMIM 300894.

Allele frequency attached by ClinVar (database versions not stated): gnomAD exomes below 0.00001; gnomAD 0.00002.
gnomAD v4.1: 7 of 1,208,847 alleles (0.00058%); highest among the groups gnomAD compares: Non-Finnish European, 0.00078%; no homozygotes.

Submission:

Labcorp Genetics (formerly Invitae), Labcorp
Classification: Uncertain significance for Neurodegeneration with brain iron accumulation 5. Last evaluated: 2023-10-29. Review status: criteria provided, single submitter. Criteria: Invitae Variant Classification Sherloc (09022015). Collection method: clinical testing. Allele origin: germline.
Comment: This sequence change replaces histidine, which is basic and polar, with glutamine, which is neutral and polar, at codon 113 of the WDR45 protein (p.His113Gln). This variant is present in population databases (no rsID available, gnomAD 0.01%). This variant has not been reported in the literature in individuals affected with WDR45-related conditions. Advanced modeling of protein sequence and biophysical properties (such as structural, functional, and spatial information, amino acid conservation, physicochemical variation, residue mobility, and thermodynamic stability) performed at Invitae indicates that this missense variant is not expected to disrupt WDR45 protein function with a negative predictive value of 80%. In summary, the available evidence is currently insufficient to determine the role of this variant in disease. Therefore, it has been classified as a Variant of Uncertain Significance.

NM_001029896.2(WDR45):c.336T>A (p.His112Gln)

Gene: WDR45 (WD repeat domain 45; minus strand). Cytogenetic location: Xp11.23.
Variant type: single nucleotide variant.
Coding change: c.336T>A on transcript NM_001029896.2 (MANE Select); coding-DNA position 336, T replaced by A.
Protein change: p.His112Gln; replaces histidine 112 with glutamine.
Molecular consequence: missense variant.
Genome position (GRCh38, 1-based): chrX:49,076,650, A>T on the plus strand (T>A on the coding strand, the complement: WDR45 is on the minus strand). VCF-style: chrX-49076650-A-T. GRCh37 (hg19) VCF-style: chrX-48934309-A-T.
Other names: c.339T>A, p.His113Gln (NM_007075.4); short protein forms H113Q, H112Q.
Identifiers: ClinVar variation 2979433 (VCV002979433.2), dbSNP rs1557084298, ClinGen allele CA412946617.